The following is an entry in ClinVar:

NM_002693.3(POLG):c.3480C>T (p.Thr1160=)

Gene: POLG (DNA polymerase gamma, catalytic subunit; minus strand). Cytogenetic location: 15q26.1.
Variant type: single nucleotide variant.
Coding change: c.3480C>T on transcript NM_002693.3 (MANE Select); coding-DNA position 3480, C replaced by T.
Protein change: p.Thr1160=; no amino-acid change (threonine 1160 retained).
Molecular consequence: synonymous variant.
Genome position (GRCh38, 1-based): chr15:89,318,543, G>A on the plus strand (C>T on the coding strand, the complement: POLG is on the minus strand). VCF-style: chr15-89318543-G-A. GRCh37 (hg19) VCF-style: chr15-89861774-G-A.
Other names: c.3480C>T, p.Thr1160= (NM_001126131.2).
Identifiers: ClinVar variation 383336 (VCV000383336.11), dbSNP rs1057521589, ClinGen allele CA16606827.
Genomic context (GRCh38, chr15:89,318,543, plus strand): 5'-CACCCAAAGCCCCACATAGGAGCACATGGCCAGGCTAGAGGCCATGGGCCCCGCATACCT[G>A]GTCAAGAGGTTGGTGATCTGCAAGGCCAGGGCAGCGCGGTAGCGGTCCTCCTCCCGCACC-3'
Protein context (NP_002684.1, residues 1150-1170): ALALQITNLL[Thr1160=]RCMFAYKLGL

ClinVar aggregate classification (germline): Conflicting classifications of pathogenicity. Review status: criteria provided, conflicting classifications (1 of 4 stars). 4 submissions from 4 submitters: Uncertain significance (1); Likely benign (2). 1 of the submissions does not count toward it. Last evaluated 2024-01-31.

Conditions:
POLG-related disorder. Also called: POLG-related condition; POLG-Related Disorders; POLG-Related Spectrum Disorders. Identifiers: MedGen C4763519.
Progressive sclerosing poliodystrophy (MTDPS4A). Also called: ALPERS PROGRESSIVE INFANTILE POLIODYSTROPHY; NEURONAL DEGENERATION OF CHILDHOOD WITH LIVER DISEASE, PROGRESSIVE; Alpers-Huttenlocher Syndrome (AHS); Alpers Syndrome; Mitochondrial DNA Depletion Syndrome 4A; ALPERS DIFFUSE DEGENERATION OF CEREBRAL GRAY MATTER WITH HEPATIC CIRRHOSIS. Identifiers: Orphanet 726, MedGen C0205710, MONDO:0008758, OMIM 203700.

Allele frequency attached by ClinVar (database versions not stated): gnomAD exomes below 0.00001 and 0.00001; TOPMed below 0.00001; gnomAD 0.00003.
gnomAD v4.1: 10 of 1,612,852 alleles (0.00062%); highest among the groups gnomAD compares: South Asian, 0.0022%; no homozygotes.

Submissions (4):

Labcorp Genetics (formerly Invitae), Labcorp
Classification: Likely benign for Progressive sclerosing poliodystrophy. Last evaluated: 2024-01-31. Review status: criteria provided, single submitter. Criteria: Invitae Variant Classification Sherloc (09022015). Collection method: clinical testing. Allele origin: germline.

Eurofins Ntd Llc (ga)
Classification: Uncertain significance. Last evaluated: 2018-05-14. Review status: criteria provided, single submitter. Criteria: EGL ClinVar v180209 classification definitions. Collection method: clinical testing. Allele origin: germline. Observed: 1 variant allele, 1 heterozygote.

GeneDx
Classification: Likely benign. Last evaluated: 2016-02-08. Review status: criteria provided, single submitter. Criteria: GeneDx Variant Classification (06012015). Collection method: clinical testing. Allele origin: germline. Affected: yes.
Comment: This variant is considered likely benign or benign based on one or more of the following criteria: it is a conservative change, it occurs at a poorly conserved position in the protein, it is predicted to be benign by multiple in silico algorithms, and/or has population frequency not consistent with disease.

PreventionGenetics, part of Exact Sciences
Classification: Likely benign for POLG-related condition. Last evaluated: 2024-08-18. Review status: no assertion criteria provided. Collection method: clinical testing. Allele origin: germline. Not counted in ClinVar's aggregate classification.
Comment: This variant is classified as likely benign based on ACMG/AMP sequence variant interpretation guidelines (Richards et al. 2015 PMID: 25741868, with internal and published modifications).